The following is an entry in ClinVar:

NM_002439.5(MSH3):c.685T>C (p.Tyr229His)

Gene: MSH3 (mutS homolog 3; plus strand). Cytogenetic location: 5q14.1.
Variant type: single nucleotide variant.
Coding change: c.685T>C on transcript NM_002439.5 (MANE Select); coding-DNA position 685, T replaced by C.
Protein change: p.Tyr229His; replaces tyrosine 229 with histidine.
Molecular consequence: missense variant.
Genome position (GRCh38, 1-based): chr5:80,670,202, T>C. VCF-style: chr5-80670202-T-C. GRCh37 (hg19) VCF-style: chr5-79966021-T-C.
Other names: short protein forms Y229H.
Identifiers: ClinVar variation 5024830 (VCV005024830.1).

ClinVar aggregate classification (germline): Uncertain significance (1 of 4 stars; one submission).

Conditions:
Hereditary cancer-predisposing syndrome. Also called: Neoplastic Syndromes, Hereditary; Tumor predisposition; Hereditary neoplastic syndrome; Hereditary Cancer Syndrome. Identifiers: Orphanet 140162, MedGen C0027672, MeSH D009386, MONDO:0015356.

gnomAD v4.1: 1 of 1,614,146 alleles (0.000062%); highest among the groups gnomAD compares: South Asian, 0.0011%; no homozygotes.

Submission:

Ambry Genetics
Classification: Uncertain significance for Hereditary cancer-predisposing syndrome. Last evaluated: 2026-08-20. Review status: criteria provided, single submitter. Criteria: Ambry Variant Classification Scheme 2023. Collection method: clinical testing. Allele origin: germline.
Comment: The p.Y229H variant (also known as c.685T>C), located in coding exon 4 of the MSH3 gene, results from a T to C substitution at nucleotide position 685. The tyrosine at codon 229 is replaced by histidine, an amino acid with similar properties. This amino acid position is highly conserved in available vertebrate species. In addition, this alteration is predicted to be deleterious by in silico analysis. Based on the available evidence, the clinical significance of this variant remains unclear.